The following is an entry in ClinVar:

NM_015102.5(NPHP4):c.3096G>A (p.Leu1032=)

Gene: NPHP4 (nephrocystin 4; minus strand). Cytogenetic location: 1p36.31.
Variant type: single nucleotide variant.
Coding change: c.3096G>A on transcript NM_015102.5 (MANE Select); coding-DNA position 3096, G replaced by A.
Protein change: p.Leu1032=; no amino-acid change (leucine 1032 retained).
Molecular consequence: synonymous variant. On other transcripts: non-coding transcript variant (1).
Genome position (GRCh38, 1-based): chr1:5,874,606, C>T on the plus strand (G>A on the coding strand, the complement: NPHP4 is on the minus strand). VCF-style: chr1-5874606-C-T. GRCh37 (hg19) VCF-style: chr1-5934666-C-T.
Other names: c.3096G>A (NM_015102.4); c.1557G>A, p.Leu519= (NM_001291593.2); c.1560G>A, p.Leu520= (NM_001291594.2).
Identifiers: ClinVar variation 2752090 (VCV002752090.4), dbSNP rs370641339, ClinGen allele CA17135921.

ClinVar aggregate classification (germline): Likely benign. Review status: criteria provided, single submitter (1 of 4 stars). 2 submissions from 2 submitters: Likely benign (1). 1 of the submissions does not count toward it. Last evaluated 2022-10-19.

Conditions:
NPHP4-related disorder. Also called: NPHP4-related disorders; NPHP4-related condition. Identifiers: MedGen CN239384.
Nephronophthisis. Also called: Juvenile Nephronophthisis. Identifiers: Orphanet 655, MedGen C0687120, MONDO:0019005, HP:0000090.

Allele frequency attached by ClinVar (database versions not stated): ESP Exome Variant Server 0.00008.
gnomAD v4.1: 7 of 1,611,948 alleles (0.00043%); highest among the groups gnomAD compares: Non-Finnish European, 0.00059%; no homozygotes.

Submissions (2):

Labcorp Genetics (formerly Invitae), Labcorp
Classification: Likely benign for Nephronophthisis. Last evaluated: 2022-10-19. Review status: criteria provided, single submitter. Criteria: Invitae Variant Classification Sherloc (09022015). Collection method: clinical testing. Allele origin: germline.

PreventionGenetics, part of Exact Sciences
Classification: Likely benign for NPHP4-related condition. Last evaluated: 2019-07-22. Review status: no assertion criteria provided. Collection method: clinical testing. Allele origin: germline. Not counted in ClinVar's aggregate classification.
Comment: This variant is classified as likely benign based on ACMG/AMP sequence variant interpretation guidelines (Richards et al. 2015 PMID: 25741868, with internal and published modifications).